The following is an entry in ClinVar:

NM_001572.5(IRF7):c.1111A>G (p.Met371Val)

Gene: IRF7 (interferon regulatory factor 7; minus strand). Cytogenetic location: 11p15.5.
Variant type: single nucleotide variant.
Coding change: c.1111A>G on transcript NM_001572.5 (MANE Select); coding-DNA position 1111, A replaced by G.
Protein change: p.Met371Val; replaces methionine 371 with valine.
Molecular consequence: missense variant.
Genome position (GRCh38, 1-based): chr11:613,332, T>C on the plus strand (A>G on the coding strand, the complement: IRF7 is on the minus strand). VCF-style: chr11-613332-T-C. GRCh37 (hg19) VCF-style: chr11-613332-T-C.
Other names: c.1147A>G, p.Met383Val (NM_001440440.1); c.1108A>G, p.Met370Val (NM_001440442.1); c.1063A>G, p.Met355Val (NM_001440444.1); c.1021A>G, p.Met341Val (NM_001440445.1); c.739A>G, p.Met247Val (NM_001440446.1); c.1024A>G, p.Met342Val (NM_004029.4); c.1150A>G, p.Met384Val (NM_004031.4); short protein forms M355V, M370V, M384V, M247V, M342V, M383V, M341V, M371V.
Identifiers: ClinVar variation 4741868 (VCV004741868.1).

ClinVar aggregate classification (germline): Uncertain significance (1 of 4 stars; one submission).

Conditions:
Immunodeficiency 39 (IMD39). Identifiers: Orphanet 574918, MedGen C4225358, MONDO:0014597, OMIM 616345.

Submission:

Labcorp Genetics (formerly Invitae), Labcorp
Classification: Uncertain significance for Immunodeficiency 39. Last evaluated: 2026-01-02. Review status: criteria provided, single submitter. Criteria: Invitae Variant Classification Sherloc (09022015). Collection method: clinical testing. Allele origin: germline.
Comment: This sequence change replaces methionine, which is neutral and non-polar, with valine, which is neutral and non-polar, at codon 384 of the IRF7 protein (p.Met384Val). This variant is not present in population databases (gnomAD no frequency). This missense change has been observed in individual(s) with life-threatening COVID-19 pneumonia (PMID: 32972995). This variant is also known as M371V. Invitae Evidence Modeling of protein sequence and biophysical properties (such as structural, functional, and spatial information, amino acid conservation, physicochemical variation, residue mobility, and thermodynamic stability) indicates that this missense variant is not expected to disrupt IRF7 protein function with a negative predictive value of 80%. Experimental studies have shown that this missense change affects IRF7 function (PMID: 32972995). In summary, the available evidence is currently insufficient to determine the role of this variant in disease. Therefore, it has been classified as a Variant of Uncertain Significance.

Literature cited by the submitters: PubMed 32972995.